The following is an entry in ClinVar:

NM_001114134.2(EPB42):c.1025G>A (p.Gly342Asp)

Gene: EPB42 (erythrocyte membrane protein band 4.2; minus strand). Cytogenetic location: 15q15.2.
Variant type: single nucleotide variant.
Coding change: c.1025G>A on transcript NM_001114134.2 (MANE Select); coding-DNA position 1025, G replaced by A.
Protein change: p.Gly342Asp; replaces glycine 342 with aspartic acid.
Molecular consequence: missense variant.
Genome position (GRCh38, 1-based): chr15:43,208,280, C>T on the plus strand (G>A on the coding strand, the complement: EPB42 is on the minus strand). VCF-style: chr15-43208280-C-T. GRCh37 (hg19) VCF-style: chr15-43500478-C-T.
Other names: p.Gly372Asp; c.1115G>A, p.Gly372Asp (NM_000119.3); short protein forms G372D, G342D.
Identifiers: ClinVar variation 316019 (VCV000316019.26), dbSNP rs116484797, ClinGen allele CA7520423.

ClinVar aggregate classification (germline): Conflicting classifications of pathogenicity. Review status: criteria provided, conflicting classifications (1 of 4 stars). 6 submissions from 6 submitters: Uncertain significance (1); Likely benign (5). Last evaluated 2026-01-21.

Conditions:
EPB42-related disorder. Also called: EPB42-related condition.
Hereditary spherocytosis type 5. Also called: EPB42-Related Hereditary Spherocytosis; EPB42-Related Spherocytosis. Identifiers: Orphanet 822, MedGen C2675192, MONDO:0012985, OMIM 612690.

Allele frequency attached by ClinVar (database versions not stated): TOPMed 0.00109; ESP Exome Variant Server 0.00123; 1000 Genomes Project 0.00300; 1000 Genomes Project 30x 0.00328.
gnomAD v4.1: 2,907 of 1,614,144 alleles (0.18%); highest among the groups gnomAD compares: South Asian, 0.48%; 8 homozygotes.

Submissions (6):

Labcorp Genetics (formerly Invitae), Labcorp
Classification: Likely benign. Last evaluated: 2026-01-21. Review status: criteria provided, single submitter. Criteria: Invitae Variant Classification Sherloc (09022015). Collection method: clinical testing. Allele origin: germline.

Mayo Clinic Laboratories, Mayo Clinic
Classification: Likely benign. Last evaluated: 2025-07-02. Review status: criteria provided, single submitter. Criteria: ACMG Guidelines, 2015. Collection method: clinical testing. Allele origin: germline. Observed: 7 variant alleles.
Comment: BS1, BP4

ARUP Laboratories, Molecular Genetics and Genomics, ARUP Laboratories
Classification: Likely benign for Hereditary spherocytosis type 5. Last evaluated: 2025-05-02. Review status: criteria provided, single submitter. Criteria: ARUP Molecular Germline Variant Investigation Process 2024. Collection method: clinical testing. Allele origin: germline.

PreventionGenetics, part of Exact Sciences
Classification: Likely benign for EPB42-related condition. Last evaluated: 2025-04-28. Review status: criteria provided, single submitter. Criteria: ACMG Guidelines, 2015. Collection method: clinical testing. Allele origin: germline.
Comment: This variant is classified as likely benign based on ACMG/AMP sequence variant interpretation guidelines (Richards et al. 2015 PMID: 25741868, with internal and published modifications).

Blueprint Genetics
Classification: Likely benign. Last evaluated: 2024-11-22. Review status: criteria provided, single submitter. Criteria: ACMG Guidelines, 2015. Collection method: clinical testing. Allele origin: germline.

Illumina Laboratory Services, Illumina
Classification: Uncertain significance for Hereditary spherocytosis type 5. Last evaluated: 2018-01-13. Review status: criteria provided, single submitter. Criteria: ICSL Variant Classification Criteria 13 December 2019. Collection method: clinical testing. Allele origin: germline.

Literature cited by the submitters: PubMed 32436265 (cited by Mayo Clinic Laboratories, Mayo Clinic); PubMed 33074480 (cited by Mayo Clinic Laboratories, Mayo Clinic).